The following is an entry in ClinVar:

ClinVar aggregate classification (germline): Uncertain significance (1 of 4 stars; one submission).

Conditions:
Juvenile polyposis syndrome (JPS). Identifiers: Orphanet 2929, MedGen C0345893, MONDO:0017380, OMIM 174900.

Submission:

Labcorp Genetics (formerly Invitae), Labcorp
Classification: Uncertain significance for Juvenile polyposis syndrome. Last evaluated: 2024-12-25. Review status: criteria provided, single submitter. Criteria: Invitae Variant Classification Sherloc (09022015). Collection method: clinical testing. Allele origin: germline.
Comment: This sequence change replaces lysine, which is basic and polar, with glutamic acid, which is acidic and polar, at codon 477 of the BMPR1A protein (p.Lys477Glu). This variant is not present in population databases (gnomAD no frequency). This variant has not been reported in the literature in individuals affected with BMPR1A-related conditions. ClinVar contains an entry for this variant (Variation ID: 1380129). Invitae Evidence Modeling of protein sequence and biophysical properties (such as structural, functional, and spatial information, amino acid conservation, physicochemical variation, residue mobility, and thermodynamic stability) has been performed for this missense variant. However, the output from this modeling did not meet the statistical confidence thresholds required to predict the impact of this variant on BMPR1A protein function. In summary, the available evidence is currently insufficient to determine the role of this variant in disease. Therefore, it has been classified as a Variant of Uncertain Significance.

NM_004329.3(BMPR1A):c.1429A>G (p.Lys477Glu)

Gene: BMPR1A (bone morphogenetic protein receptor type 1A; plus strand). Cytogenetic location: 10q23.2.
Variant type: single nucleotide variant.
Coding change: c.1429A>G on transcript NM_004329.3 (MANE Select); coding-DNA position 1429, A replaced by G.
Protein change: p.Lys477Glu; replaces lysine 477 with glutamic acid.
Molecular consequence: missense variant.
Genome position (GRCh38, 1-based): chr10:86,923,462, A>G. VCF-style: chr10-86923462-A-G. GRCh37 (hg19) VCF-style: chr10-88683219-A-G.
Other names: short protein forms K477E.
Identifiers: ClinVar variation 1380129 (VCV001380129.6), dbSNP rs2133621539, ClinGen allele CA377463063.